The following is an entry in ClinVar:

ClinVar aggregate classification (germline): Uncertain significance (1 of 4 stars; one submission).

Conditions:
Congenital myasthenic syndrome 2A. Also called: Myasthenic syndrome, congenital, 2a, slow-channel. Identifiers: Orphanet 590, MedGen C4225374, MONDO:0014581, OMIM 616313.

Allele frequency attached by ClinVar (database versions not stated): gnomAD exomes below 0.00001.
gnomAD v4.1: 1 of 1,614,072 alleles (0.000062%); highest among the groups gnomAD compares: Non-Finnish European, 0.000085%; no homozygotes.

Submission:

Labcorp Genetics (formerly Invitae), Labcorp
Classification: Uncertain significance for Congenital myasthenic syndrome 2A. Last evaluated: 2024-08-28. Review status: criteria provided, single submitter. Criteria: Invitae Variant Classification Sherloc (09022015). Collection method: clinical testing. Allele origin: germline.
Comment: This sequence change replaces tyrosine, which is neutral and polar, with cysteine, which is neutral and slightly polar, at codon 78 of the CHRNB1 protein (p.Tyr78Cys). This variant is not present in population databases (gnomAD no frequency). This variant has not been reported in the literature in individuals affected with CHRNB1-related conditions. ClinVar contains an entry for this variant (Variation ID: 2145513). Invitae Evidence Modeling of protein sequence and biophysical properties (such as structural, functional, and spatial information, amino acid conservation, physicochemical variation, residue mobility, and thermodynamic stability) has been performed for this missense variant. However, the output from this modeling did not meet the statistical confidence thresholds required to predict the impact of this variant on CHRNB1 protein function. Algorithms developed to predict the effect of sequence changes on RNA splicing suggest that this variant may create or strengthen a splice site. In summary, the available evidence is currently insufficient to determine the role of this variant in disease. Therefore, it has been classified as a Variant of Uncertain Significance.

NM_000747.3(CHRNB1):c.233A>G (p.Tyr78Cys)

Gene: CHRNB1 (cholinergic receptor nicotinic beta 1 subunit; plus strand). Cytogenetic location: 17p13.1.
Variant type: single nucleotide variant.
Coding change: c.233A>G on transcript NM_000747.3 (MANE Select); coding-DNA position 233, A replaced by G.
Protein change: p.Tyr78Cys; replaces tyrosine 78 with cysteine.
Molecular consequence: missense variant.
Genome position (GRCh38, 1-based): chr17:7,446,103, A>G. VCF-style: chr17-7446103-A-G. GRCh37 (hg19) VCF-style: chr17-7349422-A-G.
Other names: short protein forms Y78C.
Identifiers: ClinVar variation 2145513 (VCV002145513.4), dbSNP rs2507849396, ClinGen allele CA397788233.
Genomic context (GRCh38, chr17:7,446,103, plus strand): 5'-TTACGCCTTAAATTTTTCCCTTCTAGAACGAGAAGGATGAAGAGATGAGCACAAAGGTGT[A>G]CTTAGACCTGGTATGGAGACCCCACGGGGTGGGAAAGGGCTTCCCTCTGCCTTGACAATT-3'
Protein context (NP_000738.2, residues 68-88): EKDEEMSTKV[Tyr78Cys]LDLEWTDYRL